The following is an entry in ClinVar:

ClinVar aggregate classification (germline): Conflicting classifications of pathogenicity. Review status: criteria provided, conflicting classifications (1 of 4 stars). 3 submissions from 3 submitters: Uncertain significance (1); Likely benign (2). Last evaluated 2026-01-26.

Allele frequency attached by ClinVar (database versions not stated): ESP Exome Variant Server 0.00008; gnomAD 0.00009 and 0.00010; TOPMed 0.00012; ExAC 0.00013; gnomAD exomes 0.00017.
gnomAD v4.1: 277 of 1,612,740 alleles (0.017%); highest among the groups gnomAD compares: Middle Eastern, 0.099%; no homozygotes.

Submissions (3):

Labcorp Genetics (formerly Invitae), Labcorp
Classification: Uncertain significance. Last evaluated: 2026-01-26. Review status: criteria provided, single submitter. Criteria: Invitae Variant Classification Sherloc (09022015). Collection method: clinical testing. Allele origin: germline.
Comment: This sequence change affects codon 1359 of the SORL1 mRNA. It is a 'silent' change, meaning that it does not change the encoded amino acid sequence of the SORL1 protein. It affects a nucleotide within the consensus splice site. This variant is present in population databases (rs145806727, gnomAD 0.03%). This variant has been observed in individual(s) with Alzheimer disease (PMID: 36133075). ClinVar contains an entry for this variant (Variation ID: 1475391). Algorithms developed to predict the effect of sequence changes on RNA splicing suggest that this variant is not likely to affect RNA splicing. In summary, the available evidence is currently insufficient to determine the role of this variant in disease. Therefore, it has been classified as a Variant of Uncertain Significance.

Ambry Genetics
Classification: Likely benign. Last evaluated: 2024-06-16. Review status: criteria provided, single submitter. Criteria: Ambry Variant Classification Scheme 2023. Collection method: clinical testing. Allele origin: germline.

CeGaT Center for Human Genetics Tuebingen
Classification: Likely benign. Last evaluated: 2023-09-01. Review status: criteria provided, single submitter. Criteria: CeGaT Center For Human Genetics Tuebingen Variant Classification Criteria Version 2. Collection method: clinical testing. Allele origin: germline. Affected: yes. Observed: 1 variant allele.
Comment: SORL1: BP4, BP7

Literature cited by the submitters: PubMed 36133075 (cited by Labcorp Genetics (formerly Invitae), Labcorp).

NM_003105.6(SORL1):c.4077C>T (p.Cys1359=)

Gene: SORL1 (sortilin related receptor 1; plus strand). Cytogenetic location: 11q24.1.
Variant type: single nucleotide variant.
Coding change: c.4077C>T on transcript NM_003105.6 (MANE Select); coding-DNA position 4077, C replaced by T.
Protein change: p.Cys1359=; no amino-acid change (cysteine 1359 retained).
Molecular consequence: synonymous variant.
Genome position (GRCh38, 1-based): chr11:121,589,389, C>T. VCF-style: chr11-121589389-C-T. GRCh37 (hg19) VCF-style: chr11-121460098-C-T.
Other names: c.4077C>T (NM_003105.5).
Identifiers: ClinVar variation 1475391 (VCV001475391.33), dbSNP rs145806727, ClinGen allele CA6329487.